The following is an entry in ClinVar:

NM_014141.6(CNTNAP2):c.3908C>T (p.Ser1303Leu)

Gene: CNTNAP2 (contactin associated protein 2; plus strand). Cytogenetic location: 7q36.1.
Variant type: single nucleotide variant.
Coding change: c.3908C>T on transcript NM_014141.6 (MANE Select); coding-DNA position 3908, C replaced by T.
Protein change: p.Ser1303Leu; replaces serine 1303 with leucine.
Molecular consequence: missense variant.
Genome position (GRCh38, 1-based): chr7:148,415,528, C>T. VCF-style: chr7-148415528-C-T. GRCh37 (hg19) VCF-style: chr7-148112620-C-T.
Other names: short protein forms S1303L.
Identifiers: ClinVar variation 589937 (VCV000589937.5), dbSNP rs776205287, ClinGen allele CA4546838.

ClinVar aggregate classification (germline): Uncertain significance (1 of 4 stars; one submission).

Conditions:
Inborn genetic diseases. Identifiers: MedGen C0950123, MeSH D030342.

Allele frequency attached by ClinVar (database versions not stated): gnomAD exomes below 0.00001 and 0.00001; ExAC 0.00001.
gnomAD v4.1: 5 of 1,614,200 alleles (0.00031%); highest among the groups gnomAD compares: African/African-American, 0.0027%; no homozygotes.

Submission:

Ambry Genetics
Classification: Uncertain significance for Inborn genetic diseases. Last evaluated: 2016-10-05. Review status: criteria provided, single submitter. Criteria: Ambry Variant Classification Scheme 2023. Collection method: clinical testing. Allele origin: germline.
Comment: The p.S1303L variant (also known as c.3908C>T), located in coding exon 24 of the CNTNAP2 gene, results from a C to T substitution at nucleotide position 3908. The serine at codon 1303 is replaced by leucine, an amino acid with dissimilar properties. This variant was not reported in population based cohorts in the following databases: Database of Single Nucleotide Polymorphisms (dbSNP), NHLBI Exome Sequencing Project (ESP), and 1000 Genomes Project. In the ESP, this variant was not observed in 6503 samples (13006 alleles) with coverage at this position. This amino acid position is well conserved in available vertebrate species. In addition, the in silico prediction for this alteration is inconclusive. Since supporting evidence is limited at this time, the clinical significance of this alteration remains unclear.